The following is an entry in ClinVar:

NM_001394062.1(MACF1):c.14677G>C (p.Asp4893His)

Genes: MACF1 (microtubule actin crosslinking factor 1; plus strand), LOC114803468 (MACF1 eExon liver enhancer; plus strand). Cytogenetic location: 1p34.3.
Variant type: single nucleotide variant.
Coding change: c.14677G>C on transcript NM_001394062.1 (MANE Select); coding-DNA position 14677, G replaced by C.
Protein change: p.Asp4893His; replaces aspartic acid 4893 with histidine.
Molecular consequence: missense variant.
Genome position (GRCh38, 1-based): chr1:39,387,519, G>C. VCF-style: chr1-39387519-G-C. GRCh37 (hg19) VCF-style: chr1-39853191-G-C.
Other names: c.8491G>C, p.Asp2831His (NM_012090.5); short protein forms D2831H, D4893H.
Identifiers: ClinVar variation 4534319 (VCV004534319.6).
Genomic context (GRCh38, chr1:39,387,519, plus strand): 5'-CTACAAAACCAGTTGGTTGAGCTCAAAAACCATTGGGAAGAGCTTAGTAAAAAAACTGCA[G>C]ACAGACAATCCAGGCTCAAGGATTGTATGCAGAAAGCTCAGAAATATCAGTGGCATGTGG-3'
Protein context (NP_001380991.1, residues 4883-4903): HWEELSKKTA[Asp4893His]RQSRLKDCMQ

ClinVar aggregate classification (germline): Likely benign (1 of 4 stars; one submission).

gnomAD v4.1: 2 of 1,614,176 alleles (0.00012%); highest among the groups gnomAD compares: Non-Finnish European, 0.00017%; no homozygotes.

Submission:

CeGaT Center for Human Genetics Tuebingen
Classification: Likely benign. Last evaluated: 2026-06-01. Review status: criteria provided, single submitter. Criteria: CeGaT Center For Human Genetics Tuebingen Variant Classification Criteria Version 2. Collection method: clinical testing. Allele origin: germline. Affected: yes. Observed: 2 variant alleles.
Comment: MACF1: BP4